The following is an entry in ClinVar:

ClinVar aggregate classification (germline): Benign (1 of 4 stars; one submission).

Allele frequency attached by ClinVar (database versions not stated): gnomAD exomes 0.04545; 1000 Genomes Project 30x 0.18941; 1000 Genomes Project 0.19229; TOPMed 0.21943; gnomAD 0.22304.
gnomAD v4.1: 34,081 of 152,146 alleles (22%); highest among the groups gnomAD compares: Middle Eastern, 35%; 3,867 homozygotes.

Submission:

Unidad de Genómica Garrahan, Hospital de Pediatría Garrahan
Classification: Benign. Last evaluated: 2024-07-15. Review status: criteria provided, single submitter. Criteria: ACMG Guidelines, 2015. Collection method: clinical testing. Allele origin: germline. Affected: no. Observed: 24 variant alleles.
Comment: This variant is classified as Benign based on local population frequency. This variant was detected in 26% of patients studied in a panel designed for Epileptic and Developmental Encephalopathy and Progressive Myoclonus Epilepsy. Number of patients: 24. Only high quality variants are reported.

NM_015192.4(PLCB1):c.3423+1733G>A

Gene: PLCB1 (phospholipase C beta 1; plus strand). Cytogenetic location: 20p12.3.
Variant type: single nucleotide variant.
Coding change: c.3423+1733G>A on transcript NM_015192.4 (MANE Select); 1733 bases into the intron after coding-DNA position 3423, G replaced by A.
Molecular consequence: intron variant.
Genome position (GRCh38, 1-based): chr20:8,791,994, G>A. VCF-style: chr20-8791994-G-A. GRCh37 (hg19) VCF-style: chr20-8772641-G-A.
Other names: c.3423+1733G>A (NM_182734.3).
Identifiers: ClinVar variation 3255306 (VCV003255306.2), dbSNP rs6039271.